The following is an entry in ClinVar:

ClinVar aggregate classification (germline): Conflicting classifications of pathogenicity. Review status: criteria provided, conflicting classifications (1 of 4 stars). 2 submissions from 2 submitters: Uncertain significance (1); Likely benign (1). Last evaluated 2024-03-03.

Conditions:
Primary ciliary dyskinesia. Also called: Ciliary dyskinesia. Identifiers: Orphanet 244, MedGen C0008780, MONDO:0016575, HP:0012265.

Allele frequency attached by ClinVar (database versions not stated): ExAC 0.00002; gnomAD exomes 0.00002; TOPMed 0.00002.
gnomAD v4.1: 23 of 1,613,966 alleles (0.0014%); highest among the groups gnomAD compares: South Asian, 0.0044%; no homozygotes.

Submissions (2):

Labcorp Genetics (formerly Invitae), Labcorp
Classification: Likely benign for Primary ciliary dyskinesia. Last evaluated: 2024-03-03. Review status: criteria provided, single submitter. Criteria: Invitae Variant Classification Sherloc (09022015). Collection method: clinical testing. Allele origin: germline.

GeneDx
Classification: Uncertain significance. Last evaluated: 2022-12-07. Review status: criteria provided, single submitter. Criteria: GeneDx Variant Classification Process June 2021. Collection method: clinical testing. Allele origin: germline. Affected: yes.
Comment: In silico analysis supports that this missense variant does not alter protein structure/function; Has not been previously published as pathogenic or benign to our knowledge

NM_001369.3(DNAH5):c.7168G>A (p.Val2390Ile)

Gene: DNAH5 (dynein axonemal heavy chain 5; minus strand). Cytogenetic location: 5p15.2.
Variant type: single nucleotide variant.
Coding change: c.7168G>A on transcript NM_001369.3 (MANE Select); coding-DNA position 7168, G replaced by A.
Protein change: p.Val2390Ile; replaces valine 2390 with isoleucine.
Molecular consequence: missense variant.
Genome position (GRCh38, 1-based): chr5:13,814,667, C>T on the plus strand (G>A on the coding strand, the complement: DNAH5 is on the minus strand). VCF-style: chr5-13814667-C-T. GRCh37 (hg19) VCF-style: chr5-13814776-C-T.
Other names: c.7168G>A (NM_001369.2); short protein forms V2390I.
Identifiers: ClinVar variation 1984132 (VCV001984132.5), dbSNP rs751936457, ClinGen allele CA3203165.